The following is an entry in ClinVar:

NM_001329630.2(PLEKHA7):c.3178C>T (p.Arg1060Cys)

Gene: PLEKHA7 (pleckstrin homology domain containing A7; minus strand). Cytogenetic location: 11p15.2.
Variant type: single nucleotide variant.
Coding change: c.3178C>T on transcript NM_001329630.2 (MANE Select); coding-DNA position 3178, C replaced by T.
Protein change: p.Arg1060Cys; replaces arginine 1060 with cysteine.
Molecular consequence: missense variant.
Genome position (GRCh38, 1-based): chr11:16,789,275, G>A on the plus strand (C>T on the coding strand, the complement: PLEKHA7 is on the minus strand). VCF-style: chr11-16789275-G-A. GRCh37 (hg19) VCF-style: chr11-16810822-G-A.
Other names: c.3181C>T, p.Arg1061Cys (NM_001329631.2, NM_001410960.1); c.3178C>T, p.Arg1060Cys (NM_175058.5); short protein forms R1060C, R1061C.
Identifiers: ClinVar variation 4981513 (VCV004981513.1).

ClinVar aggregate classification (germline): Likely benign (1 of 4 stars; one submission).

Conditions:
PLEKHA7-related disorder. Also called: PLEKHA7-related condition.

gnomAD v4.1: 1,062 of 1,613,420 alleles (0.066%); highest among the groups gnomAD compares: Middle Eastern, 0.099%; 3 homozygotes.

Submission:

PreventionGenetics, part of Exact Sciences
Classification: Likely benign for PLEKHA7-related condition. Last evaluated: 2025-10-02. Review status: criteria provided, single submitter. Criteria: ACMG Guidelines, 2015. Collection method: clinical testing. Allele origin: germline.
Comment: This variant is classified as likely benign based on ACMG/AMP sequence variant interpretation guidelines (Richards et al. 2015 PMID: 25741868, with internal and published modifications).